The following is an entry in ClinVar:

ClinVar aggregate classification (germline): Uncertain significance (1 of 4 stars; one submission).

Conditions:
Cardiovascular phenotype. Identifiers: MedGen CN230736.

Allele frequency attached by ClinVar (database versions not stated): gnomAD exomes below 0.00001.

Submission:

Ambry Genetics
Classification: Uncertain significance for Cardiovascular phenotype. Last evaluated: 2023-11-23. Review status: criteria provided, single submitter. Criteria: Ambry Variant Classification Scheme 2023. Collection method: clinical testing. Allele origin: germline.
Comment: The p.R701K variant (also known as c.2102G>A), located in coding exon 9 of the RBM20 gene, results from a G to A substitution at nucleotide position 2102. The arginine at codon 701 is replaced by lysine, an amino acid with highly similar properties. This amino acid position is conserved. In addition, the in silico prediction for this alteration is inconclusive. Since supporting evidence is limited at this time, the clinical significance of this alteration remains unclear.

NM_001134363.3(RBM20):c.2102G>A (p.Arg701Lys)

Gene: RBM20 (RNA binding motif protein 20; plus strand). Cytogenetic location: 10q25.2.
Variant type: single nucleotide variant.
Coding change: c.2102G>A on transcript NM_001134363.3 (MANE Select); coding-DNA position 2102, G replaced by A.
Protein change: p.Arg701Lys; replaces arginine 701 with lysine.
Molecular consequence: missense variant.
Genome position (GRCh38, 1-based): chr10:110,812,499, G>A. VCF-style: chr10-110812499-G-A. GRCh37 (hg19) VCF-style: chr10-112572257-G-A.
Other names: short protein forms R701K.
Identifiers: ClinVar variation 3233203 (VCV003233203.1), dbSNP rs2493474026, ClinGen allele CA378371720.